The following is an entry in ClinVar:

ClinVar aggregate classification (germline): Likely benign. Review status: criteria provided, multiple submitters, no conflicts (2 of 4 stars). 3 submissions from 3 submitters: Likely benign (3). Last evaluated 2024-06-24.

Conditions:
Hereditary cancer-predisposing syndrome. Also called: Neoplastic Syndromes, Hereditary; Hereditary Cancer Syndrome; Tumor predisposition; Hereditary neoplastic syndrome. Identifiers: Orphanet 140162, MedGen C0027672, MeSH D009386, MONDO:0015356.
Familial adenomatous polyposis 1 (FAP1). Also called: FAMILIAL ADENOMATOUS POLYPOSIS 1, ATTENUATED; POLYPOSIS, ADENOMATOUS INTESTINAL. Identifiers: MedGen C2713442, MONDO:0021056, OMIM 175100. Disease mechanism: loss of function.

Submissions (3):

Color Diagnostics, LLC DBA Color Health
Classification: Likely benign for Hereditary cancer-predisposing syndrome. Last evaluated: 2024-06-24. Review status: criteria provided, single submitter. Criteria: ACMG Guidelines, 2015. Collection method: clinical testing. Allele origin: germline.

Myriad Genetics, Inc.
Classification: Likely benign for Familial adenomatous polyposis 1. Last evaluated: 2024-02-26. Review status: criteria provided, single submitter. Criteria: Myriad Autosomal Dominant, Autosomal Recessive and X-Linked Classification Criteria (2023). Collection method: clinical testing. Allele origin: unknown.
Comment: This variant is considered likely benign. This variant is intronic and is not expected to impact mRNA splicing.

Labcorp Genetics (formerly Invitae), Labcorp
Classification: Likely benign for Familial adenomatous polyposis 1. Last evaluated: 2022-02-03. Review status: criteria provided, single submitter. Criteria: Invitae Variant Classification Sherloc (09022015). Collection method: clinical testing. Allele origin: germline.

NM_000038.6(APC):c.646-12G>T

Gene: APC (APC regulator of Wnt signaling pathway; plus strand). Cytogenetic location: 5q22.2.
Variant type: single nucleotide variant.
Coding change: c.646-12G>T on transcript NM_000038.6 (MANE Select); 12 bases into the intron before coding-DNA position 646, G replaced by T.
Molecular consequence: intron variant.
Genome position (GRCh38, 1-based): chr5:112,792,434, G>T. VCF-style: chr5-112792434-G-T. GRCh37 (hg19) VCF-style: chr5-112128131-G-T.
Other names: c.646-12G>T (NM_001354895.2, NM_001127510.3, NM_001354896.2 and 1 more transcripts); c.676-12G>T (NM_001354897.2, NM_001354902.2); c.676-8845G>T (NM_001127511.3); c.571-12G>T (NM_001354898.2, NM_001354904.2); c.-390-12G>T (NM_001354906.2); c.646-8845G>T (NM_001354899.2); c.469-12G>T (NM_001354900.2, NM_001354901.2, NM_001354905.2).
Identifiers: ClinVar variation 2073240 (VCV002073240.6), dbSNP rs2149683931, ClinGen allele CA650199907.